The following is an entry in ClinVar:

ClinVar aggregate classification (germline): Uncertain significance (1 of 4 stars; one submission).

Conditions:
Amyotrophic lateral sclerosis type 15. Also called: AMYOTROPHIC LATERAL SCLEROSIS 15 WITH FRONTOTEMPORAL DEMENTIA. Identifiers: Orphanet 803, MedGen C3275459, MONDO:0010459, OMIM 300857.

Submission:

Labcorp Genetics (formerly Invitae), Labcorp
Classification: Uncertain significance for Amyotrophic lateral sclerosis type 15. Last evaluated: 2026-01-24. Review status: criteria provided, single submitter. Criteria: Invitae Variant Classification Sherloc (09022015). Collection method: clinical testing. Allele origin: germline.
Comment: This sequence change replaces arginine, which is basic and polar, with cysteine, which is neutral and slightly polar, at codon 597 of the UBQLN2 protein (p.Arg597Cys). This variant is not present in population databases (gnomAD no frequency). This variant has not been reported in the literature in individuals affected with UBQLN2-related conditions. Invitae Evidence Modeling of protein sequence and biophysical properties (such as structural, functional, and spatial information, amino acid conservation, physicochemical variation, residue mobility, and thermodynamic stability) indicates that this missense variant is expected to disrupt UBQLN2 protein function with a positive predictive value of 80%. In summary, the available evidence is currently insufficient to determine the role of this variant in disease. Therefore, it has been classified as a Variant of Uncertain Significance.

NM_013444.4(UBQLN2):c.1789C>T (p.Arg597Cys)

Gene: UBQLN2 (ubiquilin 2; plus strand). Cytogenetic location: Xp11.21.
Variant type: single nucleotide variant.
Coding change: c.1789C>T on transcript NM_013444.4 (MANE Select); coding-DNA position 1789, C replaced by T.
Protein change: p.Arg597Cys; replaces arginine 597 with cysteine.
Molecular consequence: missense variant.
Genome position (GRCh38, 1-based): chrX:56,565,662, C>T. VCF-style: chrX-56565662-C-T. GRCh37 (hg19) VCF-style: chrX-56592095-C-T.
Other names: short protein forms R597C.
Identifiers: ClinVar variation 4708061 (VCV004708061.1).